The following is an entry in ClinVar:

NM_001394372.1(BICRA):c.2434C>T (p.Arg812Cys)

Gene: BICRA (BRD4 interacting chromatin remodeling complex associated protein; plus strand). Cytogenetic location: 19q13.33.
Variant type: single nucleotide variant.
Coding change: c.2434C>T on transcript NM_001394372.1 (MANE Select); coding-DNA position 2434, C replaced by T.
Protein change: p.Arg812Cys; replaces arginine 812 with cysteine.
Molecular consequence: missense variant.
Genome position (GRCh38, 1-based): chr19:47,694,265, C>T. VCF-style: chr19-47694265-C-T. GRCh37 (hg19) VCF-style: chr19-48197522-C-T.
Other names: c.2434C>T, p.Arg812Cys (NM_015711.3); short protein forms R812C.
Identifiers: ClinVar variation 1709325 (VCV001709325.2), dbSNP rs774210917, ClinGen allele CA406620431.
Genomic context (GRCh38, chr19:47,694,265, plus strand): 5'-CCCTCCCCACACCCCACCCGGCCCCCTTCCCGCCCACCCTCCCGGCCACAGAGTGTGTCC[C>T]GCCCTCCCTCAGAGCCACCCTTGCACCCTTGCCCCCCACCCCAGGCCCCCCCAACTCTGC-3'
Protein context (NP_001381301.1, residues 802-822): RPPSRPQSVS[Arg812Cys]PPSEPPLHPC

ClinVar aggregate classification (germline): Uncertain significance (1 of 4 stars; one submission).

Conditions:
Coffin-Siris syndrome 12. Identifiers: MedGen C5444111, MONDO:0025699, OMIM 619325.

Submission:

MGZ Medical Genetics Center
Classification: Uncertain significance for Coffin-Siris syndrome 12. Last evaluated: 2022-04-26. Review status: criteria provided, single submitter. Criteria: ACMG Guidelines, 2015. Collection method: clinical testing. Allele origin: germline. Affected: yes. Observed: 1 variant allele.
Comment: ACMG criteria applied: PM2_SUP, BP4